The following is an entry in ClinVar:

NM_144997.7(FLCN):c.1356G>T (p.Val452=)

Gene: FLCN (folliculin; minus strand). Cytogenetic location: 17p11.2.
Variant type: single nucleotide variant.
Coding change: c.1356G>T on transcript NM_144997.7 (MANE Select); coding-DNA position 1356, G replaced by T.
Protein change: p.Val452=; no amino-acid change (valine 452 retained).
Molecular consequence: synonymous variant.
Genome position (GRCh38, 1-based): chr17:17,215,261, C>A on the plus strand (G>T on the coding strand, the complement: FLCN is on the minus strand). VCF-style: chr17-17215261-C-A. GRCh37 (hg19) VCF-style: chr17-17118575-C-A.
Other names: c.1410G>T, p.Val470= (NM_001353229.2); c.1356G>T, p.Val452= (NM_001353230.2, NM_001353231.2).
Identifiers: ClinVar variation 2161722 (VCV002161722.6), dbSNP rs760690745, ClinGen allele CA288305702.

ClinVar aggregate classification (germline): Benign/Likely benign. Review status: criteria provided, multiple submitters, no conflicts (2 of 4 stars). 3 submissions from 3 submitters: Benign (1); Likely benign (2). Last evaluated 2025-04-17.

Conditions:
Hereditary cancer-predisposing syndrome. Also called: Neoplastic Syndromes, Hereditary; Hereditary neoplastic syndrome; Hereditary Cancer Syndrome; Tumor predisposition. Identifiers: Orphanet 140162, MedGen C0027672, MeSH D009386, MONDO:0015356.
Birt-Hogg-Dube syndrome. Also called: Birt Hogg Dubé syndrome. Identifiers: Orphanet 122, MedGen C0346010, MONDO:0800444.
Birt-Hogg-Dube syndrome 1 (BHD1). Also called: FIBROFOLLICULOMAS WITH TRICHODISCOMAS AND ACROCHORDONS. Identifiers: Orphanet 122, MedGen CN375946, MONDO:0800445, OMIM 135150.

gnomAD v4.1: 2 of 1,614,178 alleles (0.00012%); highest among the groups gnomAD compares: Non-Finnish European, 0.00017%; no homozygotes.

Submissions (3):

Labcorp Genetics (formerly Invitae), Labcorp
Classification: Likely benign for Birt-Hogg-Dube syndrome. Last evaluated: 2025-04-17. Review status: criteria provided, single submitter. Criteria: Invitae Variant Classification Sherloc (09022015). Collection method: clinical testing. Allele origin: germline.

Myriad Genetics, Inc.
Classification: Benign for Birt-Hogg-Dube syndrome 1. Last evaluated: 2024-10-24. Review status: criteria provided, single submitter. Criteria: Myriad Autosomal Dominant, Autosomal Recessive and X-Linked Classification Criteria (2023). Collection method: clinical testing. Allele origin: unknown.
Comment: This variant is considered benign. This variant is a silent/synonymous amino acid change and it is not expected to impact splicing.

Ambry Genetics
Classification: Likely benign for Hereditary cancer-predisposing syndrome. Last evaluated: 2024-01-01. Review status: criteria provided, single submitter. Criteria: Ambry Variant Classification Scheme 2023. Collection method: clinical testing. Allele origin: germline.